The following is an entry in ClinVar:

ClinVar aggregate classification (germline): Likely pathogenic. Review status: criteria provided, multiple submitters, no conflicts (2 of 4 stars). 2 submissions from 2 submitters: Likely pathogenic (2). Last evaluated 2021-07-20.

Conditions:
Charcot-Marie-Tooth disease type 2. Also called: Charcot-Marie-Tooth type 2. Identifiers: Orphanet 64746, MedGen C0270914, MONDO:0018993.
X-linked Emery-Dreifuss muscular dystrophy. Also called: Muscular dystrophy, tardive Emery-Dreifuss type, with contractures. Identifiers: Orphanet 261, Orphanet 98863, MedGen C0751337, MONDO:0010680.

Submissions (2):

Laboratório de Neurologia Aplicada e Experimental, Faculdade de Medicina de Ribeirao Preto – Universidade de Sao Paulo
Classification: Likely pathogenic for Charcot-Marie-Tooth disease type 2. Last evaluated: 2021-07-20. Review status: criteria provided, single submitter. Criteria: ACMG Guidelines, 2015. Collection method: research. Allele origin: germline. Inheritance: X-linked inheritance. Affected: yes. Observed: 1 variant allele, 1 hemizygote.
Comment: The c.82+1G>A variant in the EMD gene has recently been described in the literature, classified as likely pathogenic, in one patient with EDMD type 1 (Emery-Dreifuss muscular dystrophy 1, X-linked) (PMID: 32860008). This variant is in a canonical splice-site and is predicted to affect mRNA splicing resulting in a significantly altered protein. This variant is not present in population databases (GnomAD and ABraOM), suggesting it is not a common benign variant in these populations. ClinVar classifies this variant as likely pathogenic (Variation ID: 974879), 1 star. In summary, the c.82+1G>A meets our criteria to be classified as likely pathogenic.

CENTOGENE GmbH and LLC - Guiding Precision Medicine
Classification: Likely pathogenic for Emery-Dreifuss muscular dystrophy 1, X-linked. Review status: criteria provided, single submitter. Criteria: ACMG Guidelines, 2015. Collection method: clinical testing. Allele origin: germline. Affected: yes.

Literature cited by the submitters: PubMed 32860008 (cited by Laboratório de Neurologia Aplicada e Experimental, Faculdade de Medicina de Ribeirao Preto – Universidade de Sao Paulo and CENTOGENE GmbH and LLC - Guiding Precision Medicine).

NM_000117.3(EMD):c.82+1G>A

Gene: EMD (emerin; plus strand). Cytogenetic location: Xq28.
Variant type: single nucleotide variant.
Coding change: c.82+1G>A on transcript NM_000117.3 (MANE Select); the canonical splice donor site of the intron after coding-DNA position 82, G replaced by A.
Molecular consequence: splice donor variant.
Genome position (GRCh38, 1-based): chrX:154,379,567, G>A. VCF-style: chrX-154379567-G-A. GRCh37 (hg19) VCF-style: chrX-153607927-G-A.
Other names: chrX-154379567-G-A.
Identifiers: ClinVar variation 974879 (VCV000974879.23), dbSNP rs1557182214, ClinGen allele CA415257196.
Genomic context (GRCh38, chrX:154,379,567, plus strand): 5'-CGGATACCGAGCTGACCACCTTGCTGCGCCGGTACAACATCCCGCACGGGCCTGTAGTAG[G>A]TACGCGGCGGCGGGCGGGACCCCTTCCGGGCCCCCTCCTCGTGCTCCGCCTCGCGACCTC-3'